The following is an entry in ClinVar:

ClinVar aggregate classification (germline): Uncertain significance. Review status: criteria provided, multiple submitters, no conflicts (2 of 4 stars). 2 submissions from 2 submitters: Uncertain significance (2). Last evaluated 2026-02-17.

Conditions:
Hereditary cancer-predisposing syndrome. Also called: Tumor predisposition; Hereditary neoplastic syndrome; Hereditary Cancer Syndrome; Neoplastic Syndromes, Hereditary. Identifiers: Orphanet 140162, MedGen C0027672, MeSH D009386, MONDO:0015356.

Submissions (2):

Ambry Genetics
Classification: Uncertain significance for Hereditary cancer-predisposing syndrome. Last evaluated: 2026-02-17. Review status: criteria provided, single submitter. Criteria: Ambry Variant Classification Scheme 2023. Collection method: clinical testing. Allele origin: germline.
Comment: The c.5553G>A variant (also known as p.Q1851Q) is located in coding exon 41 of the POLE gene. This variant results from a G to A substitution at nucleotide position 5553. This nucleotide substitution does not change the glutamine at codon 1851. This change occurs in the first base pair of coding exon 41. This nucleotide position is well conserved in available vertebrate species. In silico splice site analysis predicts that this alteration will not have any significant effect on splicing. Based on the available evidence, the clinical significance of this variant remains unclear.

Labcorp Genetics (formerly Invitae), Labcorp
Classification: Uncertain significance. Last evaluated: 2025-02-21. Review status: criteria provided, single submitter. Criteria: Invitae Variant Classification Sherloc (09022015). Collection method: clinical testing. Allele origin: germline.
Comment: This sequence change affects codon 1851 of the POLE mRNA. It is a 'silent' change, meaning that it does not change the encoded amino acid sequence of the POLE protein. It affects a nucleotide within the consensus splice site. This variant is not present in population databases (gnomAD no frequency). This variant has not been reported in the literature in individuals affected with POLE-related conditions. ClinVar contains an entry for this variant (Variation ID: 970274). Algorithms developed to predict the effect of sequence changes on RNA splicing suggest that this variant is not likely to affect RNA splicing. In summary, the available evidence is currently insufficient to determine the role of this variant in disease. Therefore, it has been classified as a Variant of Uncertain Significance.

NM_006231.4(POLE):c.5553G>A (p.Gln1851=)

Gene: POLE (DNA polymerase epsilon, catalytic subunit; minus strand). Cytogenetic location: 12q24.33.
Variant type: single nucleotide variant.
Coding change: c.5553G>A on transcript NM_006231.4 (MANE Select); coding-DNA position 5553, G replaced by A.
Protein change: p.Gln1851=; no amino-acid change (glutamine 1851 retained).
Molecular consequence: synonymous variant.
Genome position (GRCh38, 1-based): chr12:132,638,139, C>T on the plus strand (G>A on the coding strand, the complement: POLE is on the minus strand). VCF-style: chr12-132638139-C-T. GRCh37 (hg19) VCF-style: chr12-133214725-C-T.
Identifiers: ClinVar variation 970274 (VCV000970274.13), dbSNP rs1187751865, ClinGen allele CA482726261.